The following is an entry in ClinVar:

ClinVar aggregate classification (germline): Conflicting classifications of pathogenicity. Review status: criteria provided, conflicting classifications (1 of 4 stars). 4 submissions from 4 submitters: Uncertain significance (3); Likely benign (1). Last evaluated 2025-11-30.

Conditions:
Hereditary cancer-predisposing syndrome. Also called: Neoplastic Syndromes, Hereditary; Tumor predisposition; Hereditary Cancer Syndrome; Hereditary neoplastic syndrome. Identifiers: Orphanet 140162, MedGen C0027672, MeSH D009386, MONDO:0015356.
Facial dysmorphism-immunodeficiency-livedo-short stature syndrome. Also called: Facial dysmorphism, immunodeficiency, livedo, and short stature; FILS syndrome. Identifiers: Orphanet 352712, MedGen C3554576, MONDO:0014058, OMIM 615139.
Intrauterine growth retardation, metaphyseal dysplasia, adrenal hypoplasia congenita, genital anomalies, and immunodeficiency. Also called: IMAGEI SYNDROME. Identifiers: MedGen C5193036, MONDO:0032684, OMIM 618336.
Colorectal cancer, susceptibility to, 12 (CRCS12). Also called: COLORECTAL CANCER, SUSCEPTIBILITY TO, ON CHROMOSOME 12q24. Identifiers: Orphanet 220460, MedGen C3554460, MONDO:0014038, OMIM 615083.

Allele frequency attached by ClinVar (database versions not stated): TOPMed 0.00001.
gnomAD v4.1: 6 of 1,613,602 alleles (0.00037%); highest among the groups gnomAD compares: Admixed American, 0.0017%; no homozygotes.

Submissions (4):

Labcorp Genetics (formerly Invitae), Labcorp
Classification: Uncertain significance. Last evaluated: 2025-11-30. Review status: criteria provided, single submitter. Criteria: Invitae Variant Classification Sherloc (09022015). Collection method: clinical testing. Allele origin: germline.
Comment: This sequence change replaces proline, which is neutral and non-polar, with threonine, which is neutral and polar, at codon 1549 of the POLE protein (p.Pro1549Thr). This variant is present in population databases (no rsID available, gnomAD 0.007%). This variant has not been reported in the literature in individuals affected with POLE-related conditions. ClinVar contains an entry for this variant (Variation ID: 473680). Invitae Evidence Modeling of protein sequence and biophysical properties (such as structural, functional, and spatial information, amino acid conservation, physicochemical variation, residue mobility, and thermodynamic stability) indicates that this missense variant is not expected to disrupt POLE protein function with a negative predictive value of 80%. In summary, the available evidence is currently insufficient to determine the role of this variant in disease. Therefore, it has been classified as a Variant of Uncertain Significance.

Ambry Genetics
Classification: Likely benign for Hereditary cancer-predisposing syndrome. Last evaluated: 2025-01-27. Review status: criteria provided, single submitter. Criteria: Ambry Variant Classification Scheme 2023. Collection method: clinical testing. Allele origin: germline.

GeneDx
Classification: Uncertain significance. Last evaluated: 2024-05-06. Review status: criteria provided, single submitter. Criteria: GeneDx Variant Classification Process June 2021. Collection method: clinical testing. Allele origin: germline. Affected: yes.
Comment: Not observed at significant frequency in large population cohorts (gnomAD); In silico analysis indicates that this missense variant does not alter protein structure/function; Has not been previously published as pathogenic or benign to our knowledge

Department of Pathology and Laboratory Medicine, Sinai Health System
Classification: Uncertain significance for Colorectal cancer, susceptibility to, 12; Facial dysmorphism-immunodeficiency-livedo-short stature syndrome; Intrauterine growth retardation, metaphyseal dysplasia, adrenal hypoplasia congenita, genital anomalies, and immunodeficiency. Last evaluated: 2021-07-30. Review status: criteria provided, single submitter. Criteria: ACMG Guidelines, 2015. Collection method: research. Allele origin: germline.

NM_006231.4(POLE):c.4645C>A (p.Pro1549Thr)

Gene: POLE (DNA polymerase epsilon, catalytic subunit; minus strand). Cytogenetic location: 12q24.33.
Variant type: single nucleotide variant.
Coding change: c.4645C>A on transcript NM_006231.4 (MANE Select); coding-DNA position 4645, C replaced by A.
Protein change: p.Pro1549Thr; replaces proline 1549 with threonine.
Molecular consequence: missense variant.
Genome position (GRCh38, 1-based): chr12:132,642,903, G>T on the plus strand (C>A on the coding strand, the complement: POLE is on the minus strand). VCF-style: chr12-132642903-G-T. GRCh37 (hg19) VCF-style: chr12-133219489-G-T.
Other names: c.4645C>A (NM_006231.2); short protein forms P1549T.
Identifiers: ClinVar variation 473680 (VCV000473680.13), dbSNP rs147500308, ClinGen allele CA246304053.